The following is an entry in ClinVar:

ClinVar aggregate classification (germline): Benign/Likely benign. Review status: criteria provided, multiple submitters, no conflicts (2 of 4 stars). 3 submissions from 3 submitters: Benign (1); Likely benign (2). Last evaluated 2026-02-02.

Allele frequency attached by ClinVar (database versions not stated): 1000 Genomes Project 0.00659; 1000 Genomes Project 30x 0.00718; ESP Exome Variant Server 0.00531; TOPMed 0.00552.
gnomAD v4.1: 1,734 of 1,614,088 alleles (0.11%); highest among the groups gnomAD compares: African/African-American, 1.9%; 23 homozygotes.

Submissions (3):

Labcorp Genetics (formerly Invitae), Labcorp
Classification: Benign. Last evaluated: 2026-02-02. Review status: criteria provided, single submitter. Criteria: Invitae Variant Classification Sherloc (09022015). Collection method: clinical testing. Allele origin: germline.

Center for Pediatric Genomic Medicine, Children's Mercy Hospital and Clinics
Classification: Likely benign. Last evaluated: 2016-12-30. Review status: criteria provided, single submitter. Criteria: ACMG Guidelines, 2015. Collection method: clinical testing. Allele origin: germline.
ClinVar note: Converted during submission from Likely Benign to Likely benign.

Breakthrough Genomics
Classification: Likely benign. Review status: criteria provided, single submitter. Criteria: ACMG Guidelines, 2015. Collection method: not provided. Allele origin: germline. Inheritance: Autosomal recessive inheritance. Affected: yes.

NM_020810.3(TRMT5):c.535C>A (p.His179Asn)

Gene: TRMT5 (tRNA methyltransferase 5; minus strand). Cytogenetic location: 14q23.1.
Variant type: single nucleotide variant.
Coding change: c.535C>A on transcript NM_020810.3 (MANE Select); coding-DNA position 535, C replaced by A.
Protein change: p.His179Asn; replaces histidine 179 with asparagine.
Molecular consequence: missense variant.
Genome position (GRCh38, 1-based): chr14:60,979,363, G>T on the plus strand (C>A on the coding strand, the complement: TRMT5 is on the minus strand). VCF-style: chr14-60979363-G-T. GRCh37 (hg19) VCF-style: chr14-61446081-G-T.
Other names: c.619C>A, p.His207Asn (NM_001350253.1); c.616C>A, p.His206Asn (NM_001350254.1); short protein forms H179N, H206N, H207N.
Identifiers: ClinVar variation 377006 (VCV000377006.13), dbSNP rs76079086, ClinGen allele CA7213902.
Genomic context (GRCh38, chr14:60,979,363, plus strand): 5'-CTGAAGTTACATCTTGACCTTCAGGAAGCACAGCTCTCAAGATTTCTTCTGACTTAAAGT[G>T]TTCATATGTTAGTTCCAAATTGTATTTAGAGATCTGTGGACTGACATTAAGCTGCTCTAA-3'
Protein context (NP_065861.3, residues 169-189): SKYNLELTYE[His179Asn]FKSEEILRAV